The following is an entry in ClinVar:

ClinVar aggregate classification (germline): Uncertain significance (1 of 4 stars; one submission).

Submission:

Labcorp Genetics (formerly Invitae), Labcorp
Classification: Uncertain significance. Last evaluated: 2022-08-29. Review status: criteria provided, single submitter. Criteria: Invitae Variant Classification Sherloc (09022015). Collection method: clinical testing. Allele origin: germline.
Comment: In summary, the available evidence is currently insufficient to determine the role of this variant in disease. Therefore, it has been classified as a Variant of Uncertain Significance. Algorithms developed to predict the effect of missense changes on protein structure and function are either unavailable or do not agree on the potential impact of this missense change (SIFT: "Deleterious"; PolyPhen-2: "Probably Damaging"; Align-GVGD: "Class C0"). This sequence change replaces leucine, which is neutral and non-polar, with phenylalanine, which is neutral and non-polar, at codon 243 of the PDP1 protein (p.Leu243Phe). This variant is not present in population databases (gnomAD no frequency). This variant has not been reported in the literature in individuals affected with PDP1-related conditions.

NM_018444.4(PDP1):c.727C>T (p.Leu243Phe)

Gene: PDP1 (pyruvate dehydrogenase phosphatase catalytic subunit 1; plus strand). Cytogenetic location: 8q22.1.
Variant type: single nucleotide variant.
Coding change: c.727C>T on transcript NM_018444.4 (MANE Select); coding-DNA position 727, C replaced by T.
Protein change: p.Leu243Phe; replaces leucine 243 with phenylalanine.
Molecular consequence: missense variant.
Genome position (GRCh38, 1-based): chr8:93,922,786, C>T. VCF-style: chr8-93922786-C-T. GRCh37 (hg19) VCF-style: chr8-94935014-C-T.
Other names: c.802C>T, p.Leu268Phe (NM_001161779.2, NM_001161780.2); c.727C>T, p.Leu243Phe (NM_001161781.2); short protein forms L243F, L268F.
Identifiers: ClinVar variation 1713816 (VCV001713816.5), dbSNP rs2537060338, ClinGen allele CA371693874.